The following is an entry in ClinVar:

ClinVar aggregate classification (germline): Uncertain significance (1 of 4 stars; one submission).

Conditions:
Inborn genetic diseases. Identifiers: MedGen C0950123, MeSH D030342.

gnomAD v4.1: 4 of 1,610,734 alleles (0.00025%); highest among the groups gnomAD compares: Non-Finnish European, 0.00034%; no homozygotes.

Submission:

Ambry Genetics
Classification: Uncertain significance for Inborn genetic diseases. Last evaluated: 2024-12-23. Review status: criteria provided, single submitter. Criteria: Ambry Variant Classification Scheme 2023. Collection method: clinical testing. Allele origin: germline.
Comment: The p.P743S variant (also known as c.2227C>T), located in coding exon 13 of the FANCM gene, results from a C to T substitution at nucleotide position 2227. The proline at codon 743 is replaced by serine, an amino acid with similar properties. This amino acid position is conserved. In addition, this alteration is predicted to be tolerated by in silico analysis. Based on the available evidence, the clinical significance of this variant remains unclear.

NM_020937.4(FANCM):c.2227C>T (p.Pro743Ser)

Gene: FANCM (FA complementation group M; plus strand). Cytogenetic location: 14q21.2.
Variant type: single nucleotide variant.
Coding change: c.2227C>T on transcript NM_020937.4 (MANE Select); coding-DNA position 2227, C replaced by T.
Protein change: p.Pro743Ser; replaces proline 743 with serine.
Molecular consequence: missense variant.
Genome position (GRCh38, 1-based): chr14:45,173,121, C>T. VCF-style: chr14-45173121-C-T. GRCh37 (hg19) VCF-style: chr14-45642324-C-T.
Other names: c.2149C>T, p.Pro717Ser (NM_001308133.2); short protein forms P717S, P743S.
Identifiers: ClinVar variation 3848541 (VCV003848541.1).